The following is an entry in ClinVar:

ClinVar aggregate classification (germline): Uncertain significance (1 of 4 stars; one submission).

Allele frequency attached by ClinVar (database versions not stated): TOPMed below 0.00001; gnomAD 0.00001.

Submission:

Labcorp Genetics (formerly Invitae), Labcorp
Classification: Uncertain significance. Last evaluated: 2021-11-06. Review status: criteria provided, single submitter. Criteria: Invitae Variant Classification Sherloc (09022015). Collection method: clinical testing. Allele origin: germline.
Comment: In summary, the available evidence is currently insufficient to determine the role of this variant in disease. Therefore, it has been classified as a Variant of Uncertain Significance. Algorithms developed to predict the effect of missense changes on protein structure and function (SIFT, PolyPhen-2, Align-GVGD) all suggest that this variant is likely to be tolerated. This variant has not been reported in the literature in individuals affected with C1QA-related conditions. This variant is not present in population databases (gnomAD no frequency). This sequence change replaces glycine, which is neutral and non-polar, with alanine, which is neutral and non-polar, at codon 127 of the C1QA protein (p.Gly127Ala).

NM_015991.4(C1QA):c.380G>C (p.Gly127Ala)

Gene: C1QA (complement C1q A chain; plus strand). Cytogenetic location: 1p36.12.
Variant type: single nucleotide variant.
Coding change: c.380G>C on transcript NM_015991.4 (MANE Select); coding-DNA position 380, G replaced by C.
Protein change: p.Gly127Ala; replaces glycine 127 with alanine.
Molecular consequence: missense variant.
Genome position (GRCh38, 1-based): chr1:22,639,049, G>C. VCF-style: chr1-22639049-G-C. GRCh37 (hg19) VCF-style: chr1-22965542-G-C.
Other names: c.380G>C, p.Gly127Ala (NM_001347465.2, NM_001347466.2); short protein forms G127A.
Identifiers: ClinVar variation 1349829 (VCV001349829.6), dbSNP rs1052031423, ClinGen allele CA19171183.
Genomic context (GRCh38, chr1:22,639,049, plus strand): 5'-GAAACATCAAGGACCAGCCGAGGCCAGCCTTCTCCGCCATTCGGCGGAACCCCCCAATGG[G>C]GGGCAACGTGGTCATCTTCGACACGGTCATCACCAACCAGGAAGAACCGTACCAGAACCA-3'
Protein context (NP_057075.1, residues 117-137): FSAIRRNPPM[Gly127Ala]GNVVIFDTVI